The following is an entry in ClinVar:

NM_001844.5(COL2A1):c.1267G>A (p.Gly423Ser)

Gene: COL2A1 (collagen type II alpha 1 chain; minus strand). Cytogenetic location: 12q13.11.
Variant type: single nucleotide variant.
Coding change: c.1267G>A on transcript NM_001844.5 (MANE Select); coding-DNA position 1267, G replaced by A.
Protein change: p.Gly423Ser; replaces glycine 423 with serine.
Molecular consequence: missense variant.
Genome position (GRCh38, 1-based): chr12:47,987,176, C>T on the plus strand (G>A on the coding strand, the complement: COL2A1 is on the minus strand). VCF-style: chr12-47987176-C-T. GRCh37 (hg19) VCF-style: chr12-48380959-C-T.
Other names: c.1060G>A, p.Gly354Ser (NM_033150.3); short protein forms G354S, G423S.
Identifiers: ClinVar variation 2506270 (VCV002506270.5), dbSNP rs2540151788, ClinGen allele CA384554079.

ClinVar aggregate classification (germline): Pathogenic/Likely pathogenic. Review status: criteria provided, multiple submitters, no conflicts (2 of 4 stars). 4 submissions from 4 submitters: Pathogenic (1); Likely pathogenic (3). Last evaluated 2025-06-18.

Conditions:
Achondrogenesis type II (ACG2). Also called: ACHONDROGENESIS, LANGER-SALDINO TYPE; CHONDROGENESIS IMPERFECTA. Identifiers: Orphanet 932, Orphanet 93296, MedGen C0220685, MONDO:0008702, OMIM 200610.
Autosomal dominant COL2A1-related disorders.

Submissions (4):

Variantyx, Inc.
Classification: Likely pathogenic for Autosomal dominant COL2A1-related disorders. Last evaluated: 2025-06-18. Review status: criteria provided, single submitter. Criteria: Variantyx Assertion Criteria 2022. Collection method: clinical testing. Allele origin: germline. Inheritance: Autosomal dominant inheritance. Affected: yes.
Comment: This is a homozygous, nonsynonymous variant in the COL2A1 gene (OMIM: 120140). Pathogenic variants in this gene have been associated with autosomal dominant COL2A1-related disorders. This variant lies within a well-established critical functional domain of the COL2A1 protein (PMID: 28098982, 15365990) (PM1_Strong) and multiple computational algorithms predict a deleterious effect for this variant (REVEL score: 0.986) (PP3). This variant is absent from control populations (PM2). Based on the current evidence, this variant is classified as likely pathogenic for autosomal dominant COL2A1-related disorders.Inter- and intrafamilial clinical variability has been described (PMID:31021589).

GeneDx
Classification: Pathogenic. Last evaluated: 2024-09-25. Review status: criteria provided, single submitter. Criteria: GeneDx Variant Classification Process June 2021. Collection method: clinical testing. Allele origin: germline. Affected: yes.
Comment: Occurs in the triple helical domain and replaces a glycine in the canonical Gly-X-Y repeat; missense substitution of a canonical glycine residue is expected to disrupt normal protein folding and function, and this is an established mechanism of disease (PMID: 34007986); Not observed at significant frequency in large population cohorts (gnomAD); In silico analysis supports that this missense variant has a deleterious effect on protein structure/function; Has not been previously published as pathogenic or benign to our knowledge; This variant is associated with the following publications: (PMID: 34007986)

Labcorp Genetics (formerly Invitae), Labcorp
Classification: Likely pathogenic. Last evaluated: 2023-08-25. Review status: criteria provided, single submitter. Criteria: Invitae Variant Classification Sherloc (09022015). Collection method: clinical testing. Allele origin: germline.
Comment: ClinVar contains an entry for this variant (Variation ID: 2506270). This variant has not been reported in the literature in individuals affected with COL2A1-related conditions. This variant is not present in population databases (gnomAD no frequency). This sequence change replaces glycine, which is neutral and non-polar, with serine, which is neutral and polar, at codon 423 of the COL2A1 protein (p.Gly423Ser). Experimental studies and prediction algorithms are not available or were not evaluated, and the functional significance of this variant is currently unknown. In summary, the currently available evidence indicates that the variant is pathogenic, but additional data are needed to prove that conclusively. Therefore, this variant has been classified as Likely Pathogenic. This variant disrupts the triple helix domain of COL2A1. Glycine residues within the Gly-Xaa-Yaa repeats of the triple helix domain are required for the structure and stability of fibrillar collagens (PMID: 7695699, 8218237, 19344236). In COL2A1, variants affecting these glycine residues are significantly enriched in individuals with disease (PMID: 9016532, 17078022) compared to the general population (ExAC).

Women's Health and Genetics/Laboratory Corporation of America, LabCorp
Classification: Likely pathogenic for Achondrogenesis type II. Last evaluated: 2023-05-23. Review status: criteria provided, single submitter. Criteria: LabCorp Variant Classification Summary - May 2015. Collection method: clinical testing. Allele origin: germline.
Comment: Variant summary: COL2A1 c.1267G>A (p.Gly423Ser) results in a non-conservative amino acid change to a highly conserved residue in the encoded protein sequence. Glycine changes in the triple helical domain are critical to overall function. Five of five in-silico tools predict a damaging effect of the variant on protein function. This change effects the first nucleotide of exon 21 and therefore could affect mRNA splicing. 4/4 computational tools predict no significant impact on normal splicing. However, these predictions have yet to be confirmed by functional studies. The variant was absent in 251376 control chromosomes. The available data on variant occurrences in the general population are insufficient to allow any conclusion about variant significance. To our knowledge, no occurrence of c.1267G>A in individuals affected with COL2A1-related disorders and no experimental evidence demonstrating its impact on protein function have been reported. No clinical diagnostic laboratories have submitted clinical-significance assessments for this variant to ClinVar after 2014. Based on the evidence outlined above, the variant was classified as likely pathogenic.

Literature cited by the submitters: PubMed 28098982 (cited by Variantyx, Inc.); PubMed 15365990 (cited by Variantyx, Inc.); PubMed 7695699 (cited by Labcorp Genetics (formerly Invitae), Labcorp); PubMed 8218237 (cited by Labcorp Genetics (formerly Invitae), Labcorp); PubMed 19344236 (cited by Labcorp Genetics (formerly Invitae), Labcorp); PubMed 9016532 (cited by Labcorp Genetics (formerly Invitae), Labcorp); PubMed 17078022 (cited by Labcorp Genetics (formerly Invitae), Labcorp).